The following is an entry in ClinVar:

ClinVar aggregate classification (germline): Uncertain significance (1 of 4 stars; one submission).

Allele frequency attached by ClinVar (database versions not stated): TOPMed below 0.00001.
gnomAD v4.1: 2 of 1,613,960 alleles (0.00012%); highest among the groups gnomAD compares: Non-Finnish European, 0.00017%; no homozygotes.

Submission:

Labcorp Genetics (formerly Invitae), Labcorp
Classification: Uncertain significance. Last evaluated: 2021-11-18. Review status: criteria provided, single submitter. Criteria: Invitae Variant Classification Sherloc (09022015). Collection method: clinical testing. Allele origin: germline.
Comment: In summary, the available evidence is currently insufficient to determine the role of this variant in disease. Therefore, it has been classified as a Variant of Uncertain Significance. Algorithms developed to predict the effect of missense changes on protein structure and function are either unavailable or do not agree on the potential impact of this missense change (SIFT: "Deleterious"; PolyPhen-2: "Possibly Damaging"; Align-GVGD: "Class C0"). This variant has not been reported in the literature in individuals affected with ABCC6-related conditions. This variant is not present in population databases (gnomAD no frequency). This sequence change replaces alanine, which is neutral and non-polar, with valine, which is neutral and non-polar, at codon 1187 of the ABCC6 protein (p.Ala1187Val).

NM_001171.6(ABCC6):c.3560C>T (p.Ala1187Val)

Gene: ABCC6 (ATP binding cassette subfamily C member 6; minus strand). Cytogenetic location: 16p13.11.
Variant type: single nucleotide variant.
Coding change: c.3560C>T on transcript NM_001171.6 (MANE Select); coding-DNA position 3560, C replaced by T.
Protein change: p.Ala1187Val; replaces alanine 1187 with valine.
Molecular consequence: missense variant. On other transcripts: non-coding transcript variant (1).
Genome position (GRCh38, 1-based): chr16:16,161,511, G>A on the plus strand (C>T on the coding strand, the complement: ABCC6 is on the minus strand). VCF-style: chr16-16161511-G-A. GRCh37 (hg19) VCF-style: chr16-16255368-G-A.
Other names: c.3218C>T, p.Ala1073Val (NM_001351800.1); short protein forms A1073V, A1187V.
Identifiers: ClinVar variation 1385430 (VCV001385430.4), dbSNP rs1293676720, ClinGen allele CA394879968.